The following is an entry in ClinVar:

ClinVar aggregate classification (germline): Pathogenic (1 of 4 stars; one submission).

Allele frequency attached by ClinVar (database versions not stated): gnomAD exomes below 0.00001; gnomAD 0.00001.

Submission:

Labcorp Genetics (formerly Invitae), Labcorp
Classification: Pathogenic. Last evaluated: 2024-04-06. Review status: criteria provided, single submitter. Criteria: Invitae Variant Classification Sherloc (09022015). Collection method: clinical testing. Allele origin: germline.
Comment: This sequence change creates a premature translational stop signal (p.Gln502*) in the AMHR2 gene. While this is not anticipated to result in nonsense mediated decay, it is expected to disrupt the last 72 amino acid(s) of the AMHR2 protein. This variant is present in population databases (no rsID available, gnomAD 0.003%). This premature translational stop signal has been observed in individual(s) with persistent Müllerian duct syndrome (PMID: 28528332). ClinVar contains an entry for this variant (Variation ID: 1524536). This variant disrupts a region of the AMHR2 protein in which other variant(s) (p.Arg504Cys) have been determined to be pathogenic (PMID: 8872466, 33025551). This suggests that this is a clinically significant region of the protein, and that variants that disrupt it are likely to be disease-causing. For these reasons, this variant has been classified as Pathogenic.

Literature cited by the submitters: PubMed 28528332; PubMed 8872466; PubMed 33025551.

NM_020547.3(AMHR2):c.1504C>T (p.Gln502Ter)

Gene: AMHR2 (anti-Mullerian hormone receptor type 2; plus strand). Cytogenetic location: 12q13.13.
Variant type: single nucleotide variant.
Coding change: c.1504C>T on transcript NM_020547.3 (MANE Select); coding-DNA position 1504, C replaced by T.
Protein change: p.Gln502Ter; replaces glutamine 502 with a stop codon.
Molecular consequence: nonsense. On other transcripts: 3 prime UTR variant (1).
Genome position (GRCh38, 1-based): chr12:53,431,255, C>T. VCF-style: chr12-53431255-C-T. GRCh37 (hg19) VCF-style: chr12-53825039-C-T.
Other names: c.*63C>T (NM_001164690.2); c.1219C>T, p.Gln407Ter (NM_001164691.2); short protein forms Q502*, Q407*.
Identifiers: ClinVar variation 1524536 (VCV001524536.9), dbSNP rs1313418437, ClinGen allele CA385097266.